The following is an entry in ClinVar:

ClinVar aggregate classification (germline): Pathogenic/Likely pathogenic. Review status: criteria provided, multiple submitters, no conflicts (2 of 4 stars). 4 submissions from 4 submitters: Pathogenic (2); Likely pathogenic (2). Last evaluated 2023-04-11.

Conditions:
SLC2A1-related disorder. Also called: SLC2A1-related condition; SLC2A1-related disorders.
GLUT1 deficiency syndrome. Also called: GLUT1 DS; Glucose transporter type 1 deficiency syndrome. Identifiers: MedGen C1847501, MONDO:0000188.
Encephalopathy due to GLUT1 deficiency. Also called: GLUT1 deficiency syndrome 1; GLUT1 deficiency syndrome 1, infantile onset, severe; Glucose transporter protein syndrome; Classic Glucose Transporter Type 1 Deficiency Syndrome; GLUCOSE TRANSPORT DEFECT, BLOOD-BRAIN BARRIER; De Vivo disease. Identifiers: Orphanet 71277, MedGen C4551966, MONDO:0011724, OMIM 606777.
GLUT1 deficiency syndrome 1, autosomal recessive. Identifiers: MedGen C3149117.

Submissions (4):

Genome-Nilou Lab
Classification: Likely pathogenic for Encephalopathy due to GLUT1 deficiency. Last evaluated: 2023-04-11. Review status: criteria provided, single submitter. Criteria: ACMG Guidelines, 2015. Collection method: clinical testing. Allele origin: germline. Affected: no.

PreventionGenetics, part of Exact Sciences
Classification: Likely pathogenic for SLC2A1-related condition. Last evaluated: 2022-12-08. Review status: criteria provided, single submitter. Criteria: ACMG Guidelines, 2015. Collection method: clinical testing. Allele origin: germline.
Comment: The SLC2A1 c.2T>C variant is predicted to disrupt the translation initiation site (Start loss). This variant was reported in an individual with Glucose transporter type 1 deficiency syndrome (Hully et al 2015. PubMed ID: 26193382). This variant has not been reported in a large population database, indicating this variant is rare. This variant is interpreted as likely pathogenic.

Labcorp Genetics (formerly Invitae), Labcorp
Classification: Pathogenic for GLUT1 deficiency syndrome 1, autosomal recessive. Last evaluated: 2022-08-24. Review status: criteria provided, single submitter. Criteria: Invitae Variant Classification Sherloc (09022015). Collection method: clinical testing. Allele origin: germline.
Comment: For these reasons, this variant has been classified as Pathogenic. ClinVar contains an entry for this variant (Variation ID: 488790). Disruption of the initiator codon has been observed in individual(s) with autosomal dominant Glut1 deficiency syndrome (PMID: 20129935, 26193382). This variant is not present in population databases (gnomAD no frequency). This sequence change affects the initiator methionine of the SLC2A1 mRNA. The next in-frame methionine is located at codon 13.

GeneDx
Classification: Pathogenic. Last evaluated: 2020-01-10. Review status: criteria provided, single submitter. Criteria: GeneDx Variant Classification Process June 2021. Collection method: clinical testing. Allele origin: germline. Affected: yes.
Comment: Not observed in large population cohorts (Lek et al., 2016); Initiation codon variant in a gene for which loss-of-function is a known mechanism of disease; This variant is associated with the following publications: (PMID: 26193382)

Literature cited by the submitters: PubMed 20129935 (cited by Labcorp Genetics (formerly Invitae), Labcorp); PubMed 26193382 (cited by Labcorp Genetics (formerly Invitae), Labcorp).

NM_006516.4(SLC2A1):c.2T>C (p.Met1Thr)

Gene: SLC2A1 (solute carrier family 2 member 1; minus strand). Cytogenetic location: 1p34.2.
Variant type: single nucleotide variant.
Coding change: c.2T>C on transcript NM_006516.4 (MANE Select); coding-DNA position 2, T replaced by C.
Protein change: p.Met1Thr; changes the start codon (methionine 1).
Molecular consequence: missense variant, initiator codon variant.
Genome position (GRCh38, 1-based): chr1:42,958,650, A>G on the plus strand (T>C on the coding strand, the complement: SLC2A1 is on the minus strand). VCF-style: chr1-42958650-A-G. GRCh37 (hg19) VCF-style: chr1-43424321-A-G.
Other names: short protein forms M1T.
Identifiers: ClinVar variation 488790 (VCV000488790.12), dbSNP rs1553157935, ClinGen allele CA339965902.